The following is an entry in ClinVar:

ClinVar aggregate classification (germline): Uncertain significance. Review status: criteria provided, single submitter (1 of 4 stars). 3 submissions from 3 submitters: Uncertain significance (1). 2 of the submissions do not count toward it. Last evaluated 2025-11-19.

Conditions:
TUBA8-related disorder. Also called: TUBA8-related condition.
Macrothrombocytopenia, isolated, 2, autosomal dominant (MACTHC2). Identifiers: MedGen C5676968, MONDO:0030827, OMIM 619840.

Allele frequency attached by ClinVar (database versions not stated): ExAC 0.00002; gnomAD 0.00001; gnomAD exomes 0.00004 and 0.00001; TOPMed 0.00001.
gnomAD v4.1: 11 of 1,612,240 alleles (0.00068%); highest among the groups gnomAD compares: Admixed American, 0.012%; no homozygotes.

Submissions (3):

Labcorp Genetics (formerly Invitae), Labcorp
Classification: Uncertain significance. Last evaluated: 2025-11-19. Review status: criteria provided, single submitter. Criteria: Invitae Variant Classification Sherloc (09022015). Collection method: clinical testing. Allele origin: germline.
Comment: This sequence change replaces glutamic acid, which is acidic and polar, with lysine, which is basic and polar, at codon 290 of the TUBA8 protein (p.Glu290Lys). This variant is present in population databases (rs754515296, gnomAD 0.01%). This variant has not been reported in the literature in individuals affected with TUBA8-related conditions. ClinVar contains an entry for this variant (Variation ID: 1686850). Invitae Evidence Modeling of protein sequence and biophysical properties (such as structural, functional, and spatial information, amino acid conservation, physicochemical variation, residue mobility, and thermodynamic stability) indicates that this missense variant is not expected to disrupt TUBA8 protein function with a negative predictive value of 80%. In summary, the available evidence is currently insufficient to determine the role of this variant in disease. Therefore, it has been classified as a Variant of Uncertain Significance.

PreventionGenetics, part of Exact Sciences
Classification: Uncertain significance for TUBA8-related condition. Last evaluated: 2024-07-04. Review status: no assertion criteria provided. Collection method: clinical testing. Allele origin: germline. Not counted in ClinVar's aggregate classification.
Comment: The TUBA8 c.868G>A variant is predicted to result in the amino acid substitution p.Glu290Lys. This variant has been reported in an individual with mild thrombocytopaenia; however, this gene-disease association is not well established (Kimmerlin et al. 2022. PubMed ID: 34704371). This variant is reported in 0.014% of alleles in individuals of Latino descent in gnomAD. At this time, the clinical significance of this variant is uncertain due to the absence of conclusive functional and genetic evidence.

OMIM
Classification: Pathogenic for MACROTHROMBOCYTOPENIA, ISOLATED, 2, AUTOSOMAL DOMINANT. Last evaluated: 2022-04-26. Review status: no assertion criteria provided. Collection method: literature only. Allele origin: germline. Not counted in ClinVar's aggregate classification.

Literature cited by the submitters: PubMed 34704371 (cited by OMIM).

NM_018943.3(TUBA8):c.868G>A (p.Glu290Lys)

Gene: TUBA8 (tubulin alpha 8; plus strand). Cytogenetic location: 22q11.21.
Variant type: single nucleotide variant.
Coding change: c.868G>A on transcript NM_018943.3 (MANE Select); coding-DNA position 868, G replaced by A.
Protein change: p.Glu290Lys; replaces glutamic acid 290 with lysine.
Molecular consequence: missense variant.
Genome position (GRCh38, 1-based): chr22:18,126,846, G>A. VCF-style: chr22-18126846-G-A. GRCh37 (hg19) VCF-style: chr22-18609613-G-A.
Other names: TUBA8, GLU290LYS (rs754515296); c.868G>A (NM_018943.2); c.670G>A, p.Glu224Lys (NM_001193414.2); short protein forms E290K, E224K.
Identifiers: ClinVar variation 1686850 (VCV001686850.5), dbSNP rs754515296, ClinGen allele CA10093773.